The following is an entry in ClinVar:

NM_000059.4(BRCA2):c.6201C>G (p.Ser2067=)

Gene: BRCA2 (BRCA2 DNA repair associated; plus strand). Cytogenetic location: 13q13.1.
Variant type: single nucleotide variant.
Coding change: c.6201C>G on transcript NM_000059.4 (MANE Select); coding-DNA position 6201, C replaced by G.
Protein change: p.Ser2067=; no amino-acid change (serine 2067 retained).
Molecular consequence: synonymous variant.
Genome position (GRCh38, 1-based): chr13:32,340,556, C>G. VCF-style: chr13-32340556-C-G. GRCh37 (hg19) VCF-style: chr13-32914693-C-G.
Identifiers: ClinVar variation 1329075 (VCV001329075.11), dbSNP rs876659049, ClinGen allele CA483438661.
Genomic context (GRCh38, chr13:32,340,556, plus strand): 5'-TAATGTGGTAAATTCATCTGCTTTCTCTGGATTTAGTACAGCAAGTGGAAAGCAAGTTTC[C>G]ATTTTAGAAAGTTCCTTACACAAAGTTAAGGGAGTGTTAGAGGAATTTGATTTAATCAGA-3'
Protein context (NP_000050.3, residues 2057-2077): GFSTASGKQV[Ser2067=]ILESSLHKVK

ClinVar aggregate classification (germline): Likely benign. Review status: criteria provided, multiple submitters, no conflicts (2 of 4 stars). 4 submissions from 4 submitters: Likely benign (4). Last evaluated 2026-08-01.

Conditions:
Hereditary breast ovarian cancer syndrome. Also called: Hereditary breast and ovarian cancer syndrome; Breast and ovarian cancer; BRCA1- and BRCA2-Associated Hereditary Breast and Ovarian Cancer; Hereditary breast and ovarian cancer; Hereditary breast and ovarian cancer syndrome (HBOC); Hereditary breast and/or ovarian cancer syndrome. Identifiers: Orphanet 145, MedGen C0677776, MeSH D061325, MONDO:0003582. Disease mechanism: loss of function.
Hereditary cancer-predisposing syndrome. Also called: Neoplastic Syndromes, Hereditary; Hereditary Cancer Syndrome; Hereditary neoplastic syndrome; Tumor predisposition. Identifiers: Orphanet 140162, MedGen C0027672, MeSH D009386, MONDO:0015356.

Submissions (4):

CeGaT Center for Human Genetics Tuebingen
Classification: Likely benign. Last evaluated: 2026-08-01. Review status: criteria provided, single submitter. Criteria: CeGaT Center For Human Genetics Tuebingen Variant Classification Criteria Version 2. Collection method: clinical testing. Allele origin: germline. Affected: yes. Observed: 1 variant allele.
Comment: BRCA2: PM2:Supporting, BP4, BP7

Ambry Genetics
Classification: Likely benign for Hereditary cancer-predisposing syndrome. Last evaluated: 2026-01-14. Review status: criteria provided, single submitter. Criteria: Ambry Variant Classification Scheme 2023. Collection method: clinical testing. Allele origin: germline.

Labcorp Genetics (formerly Invitae), Labcorp
Classification: Likely benign for Hereditary breast ovarian cancer syndrome. Last evaluated: 2024-05-07. Review status: criteria provided, single submitter. Criteria: Invitae Variant Classification Sherloc (09022015). Collection method: clinical testing. Allele origin: germline.

Women's Health and Genetics/Laboratory Corporation of America, LabCorp
Classification: Likely benign. Last evaluated: 2021-11-11. Review status: criteria provided, single submitter. Criteria: LabCorp Variant Classification Summary - May 2015. Collection method: clinical testing. Allele origin: germline.
Comment: Variant summary: BRCA2 c.6201C>G alters a non-conserved nucleotide resulting in a synonymous change. 4/4 computational tools predict no significant impact on normal splicing, however, these predictions have yet to be confirmed by functional studies. The variant was absent in 250212 control chromosomes. The available data on variant occurrences in the general population are insufficient to allow any conclusion about variant significance. To our knowledge, no occurrence of c.6201C>G in individuals affected with Hereditary Breast And Ovarian Cancer Syndrome and no experimental evidence demonstrating its impact on protein function have been reported. No clinical diagnostic laboratories have submitted clinical-significance assessments for this variant to ClinVar after 2014, however a different variant (c.6201C>A, p.Ser2067=) that results in the same synonymous amino acid change was reviewed by two submitters: one clinical diagnostic laboratory and one expert panel. Both submitters classified the variant (c.6201C>A, p.Ser2067=) as likely benign. Based on the evidence outlined above, the variant was classified as likely benign.